The following is an entry in ClinVar:

ClinVar aggregate classification (germline): Uncertain significance (1 of 4 stars; one submission).

Submission:

Labcorp Genetics (formerly Invitae), Labcorp
Classification: Uncertain significance. Last evaluated: 2025-08-03. Review status: criteria provided, single submitter. Criteria: Invitae Variant Classification Sherloc (09022015). Collection method: clinical testing. Allele origin: germline.
Comment: This sequence change replaces lysine, which is basic and polar, with glutamine, which is neutral and polar, at codon 105 of the PCARE protein (p.Lys105Gln). This variant is not present in population databases (gnomAD no frequency). This variant has not been reported in the literature in individuals affected with PCARE-related conditions. An algorithm developed to predict the effect of missense changes on protein structure and function (PolyPhen-2) suggests that this variant is likely to be tolerated. In summary, the available evidence is currently insufficient to determine the role of this variant in disease. Therefore, it has been classified as a Variant of Uncertain Significance.

NM_001029883.3(PCARE):c.313A>C (p.Lys105Gln)

Gene: PCARE (photoreceptor cilium actin regulator; minus strand). Cytogenetic location: 2p23.2.
Variant type: single nucleotide variant.
Coding change: c.313A>C on transcript NM_001029883.3 (MANE Select); coding-DNA position 313, A replaced by C.
Protein change: p.Lys105Gln; replaces lysine 105 with glutamine.
Molecular consequence: missense variant.
Genome position (GRCh38, 1-based): chr2:29,073,949, T>G on the plus strand (A>C on the coding strand, the complement: PCARE is on the minus strand). VCF-style: chr2-29073949-T-G. GRCh37 (hg19) VCF-style: chr2-29296815-T-G.
Other names: short protein forms K105Q.
Identifiers: ClinVar variation 4724746 (VCV004724746.1).
Genomic context (GRCh38, chr2:29,073,949, plus strand): 5'-GTGATCCATGGGAACCCTGTGTCTTGAACGGAATATCCTTAGCCATGTGGCTTTGTGATT[T>G]GTTCAGCTGGGATGAAGAGGTTTTGGTTCCTGGGATCAGTCCTTCCATATCTTTCCTTTT-3'
Protein context (NP_001025054.1, residues 95-115): GTKTSSSQLN[Lys105Gln]SQSHMAKDIP